The following is an entry in ClinVar:

ClinVar aggregate classification (germline): Uncertain significance. Review status: criteria provided, multiple submitters, no conflicts (2 of 4 stars). 2 submissions from 2 submitters: Uncertain significance (2). Last evaluated 2022-11-17.

Conditions:
Inborn genetic diseases. Identifiers: MedGen C0950123, MeSH D030342.

Allele frequency attached by ClinVar (database versions not stated): ExAC 0.00002; gnomAD 0.00004 and 0.00005; gnomAD exomes 0.00004; TOPMed 0.00005.
gnomAD v4.1: 60 of 1,605,724 alleles (0.0037%); highest among the groups gnomAD compares: Non-Finnish European, 0.0049%; no homozygotes.

Submissions (2):

Ambry Genetics
Classification: Uncertain significance for Inborn genetic diseases. Last evaluated: 2022-11-17. Review status: criteria provided, single submitter. Criteria: Ambry Variant Classification Scheme 2023. Collection method: clinical testing. Allele origin: germline.
Comment: The p.I141F variant (also known as c.421A>T), located in coding exon 4 of the ATR gene, results from an A to T substitution at nucleotide position 421. The isoleucine at codon 141 is replaced by phenylalanine, an amino acid with highly similar properties. This amino acid position is conserved. In addition, the in silico prediction for this alteration is inconclusive. Since supporting evidence is limited at this time, the clinical significance of this alteration remains unclear.

Labcorp Genetics (formerly Invitae), Labcorp
Classification: Uncertain significance. Last evaluated: 2021-12-29. Review status: criteria provided, single submitter. Criteria: Invitae Variant Classification Sherloc (09022015). Collection method: clinical testing. Allele origin: germline.
Comment: This sequence change replaces isoleucine, which is neutral and non-polar, with phenylalanine, which is neutral and non-polar, at codon 141 of the ATR protein (p.Ile141Phe). The frequency data for this variant in the population databases is considered unreliable, as metrics indicate poor data quality at this position in the gnomAD database. This variant has not been reported in the literature in individuals affected with ATR-related conditions. Algorithms developed to predict the effect of missense changes on protein structure and function (SIFT, PolyPhen-2, Align-GVGD) all suggest that this variant is likely to be tolerated. In summary, the available evidence is currently insufficient to determine the role of this variant in disease. Therefore, it has been classified as a Variant of Uncertain Significance.

NM_001184.4(ATR):c.421A>T (p.Ile141Phe)

Gene: ATR (ATR checkpoint kinase; minus strand). Cytogenetic location: 3q23.
Variant type: single nucleotide variant.
Coding change: c.421A>T on transcript NM_001184.4 (MANE Select); coding-DNA position 421, A replaced by T.
Protein change: p.Ile141Phe; replaces isoleucine 141 with phenylalanine.
Molecular consequence: missense variant.
Genome position (GRCh38, 1-based): chr3:142,562,981, T>A on the plus strand (A>T on the coding strand, the complement: ATR is on the minus strand). VCF-style: chr3-142562981-T-A. GRCh37 (hg19) VCF-style: chr3-142281823-T-A.
Other names: c.421A>T, p.Ile141Phe (NM_001354579.2); c.421A>T (NM_001184.3); short protein forms I141F.
Identifiers: ClinVar variation 1517516 (VCV001517516.6), dbSNP rs766281121, ClinGen allele CA2650770.